The following is an entry in ClinVar:

ClinVar aggregate classification (germline): Benign. Review status: criteria provided, multiple submitters, no conflicts (2 of 4 stars). 3 submissions from 3 submitters: Benign (2). 1 of the submissions does not count toward it. Last evaluated 2026-01-27.

Conditions:
Phosphoenolpyruvate carboxykinase deficiency, mitochondrial. Also called: PCK2 DEFICIENCY; PEPCK2 DEFICIENCY. Identifiers: Orphanet 2880, MedGen C1849821, MONDO:0009864, OMIM 261650.
PCK2-related disorder. Also called: PCK2-related condition.

Submissions (3):

Labcorp Genetics (formerly Invitae), Labcorp
Classification: Benign. Last evaluated: 2026-01-27. Review status: criteria provided, single submitter. Criteria: Invitae Variant Classification Sherloc (09022015). Collection method: clinical testing. Allele origin: germline.

Fulgent Genetics
Classification: Benign for Phosphoenolpyruvate carboxykinase deficiency, mitochondrial. Last evaluated: 2022-03-29. Review status: criteria provided, single submitter. Criteria: ACMG Guidelines, 2015. Collection method: clinical testing. Allele origin: unknown.

PreventionGenetics, part of Exact Sciences
Classification: Likely benign for PCK2-related condition. Last evaluated: 2019-11-12. Review status: no assertion criteria provided. Collection method: clinical testing. Allele origin: germline. Not counted in ClinVar's aggregate classification.
Comment: This variant is classified as likely benign based on ACMG/AMP sequence variant interpretation guidelines (Richards et al. 2015 PMID: 25741868, with internal and published modifications).

NM_004563.4(PCK2):c.1469-3dup

Genes: NRL (neural retina leucine zipper; minus strand), PCK2 (phosphoenolpyruvate carboxykinase 2, mitochondrial; plus strand). Cytogenetic location: 14q12.
Variant type: Duplication.
Coding change: c.1469-3dup on transcript NM_004563.4 (MANE Select); 3 bases into the intron before coding-DNA position 1469, one base duplicated (C; older notation c.1469-3dupC).
Molecular consequence: intron variant.
Genome position (GRCh38, 1-based): chr14:24,103,507, C duplicated; the last of 7 consecutive C bases (chr14:24,103,501-24,103,507); duplicating any one gives the same sequence. VCF-style (leftmost placement, unchanged base first): chr14-24103500-T-TC. GRCh37 (hg19) VCF-style: chr14-24572709-T-TC.
Other names: c.-28+11221dup (NM_001354768.3, NM_001354770.2); c.-254+11221dup (NM_006177.5); c.1067-3dup (NM_001308054.2, NM_001291556.2).
Identifiers: ClinVar variation 720616 (VCV000720616.12), dbSNP rs61497654, ClinGen allele CA7123527.